The following is an entry in ClinVar:

NM_001256715.2(DNAAF3):c.448C>T (p.Gln150Ter)

Genes: DNAAF3 (dynein axonemal assembly factor 3; minus strand), DNAAF3-AS1 (DNAAF3 antisense RNA 1; plus strand). Cytogenetic location: 19q13.42.
Variant type: single nucleotide variant.
Coding change: c.448C>T on transcript NM_001256715.2 (MANE Select); coding-DNA position 448, C replaced by T.
Protein change: p.Gln150Ter; replaces glutamine 150 with a stop codon.
Molecular consequence: nonsense.
Genome position (GRCh38, 1-based): chr19:55,162,165, G>A on the plus strand (C>T on the coding strand, the complement: DNAAF3 is on the minus strand). VCF-style: chr19-55162165-G-A. GRCh37 (hg19) VCF-style: chr19-55673533-G-A.
Other names: c.652C>T, p.Gln218Ter (NM_001256714.1); c.286C>T, p.Gln96Ter (NM_001256716.2); c.589C>T, p.Gln197Ter (NM_178837.4); short protein forms Q150*, Q197*, Q96*, Q218*.
Identifiers: ClinVar variation 2828242 (VCV002828242.3), dbSNP rs1040183266, ClinGen allele CA407457617.

ClinVar aggregate classification (germline): Pathogenic (1 of 4 stars; one submission).

Conditions:
Primary ciliary dyskinesia. Also called: Ciliary dyskinesia. Identifiers: Orphanet 244, MedGen C0008780, MONDO:0016575, HP:0012265.

Submission:

Labcorp Genetics (formerly Invitae), Labcorp
Classification: Pathogenic for Primary ciliary dyskinesia. Last evaluated: 2023-01-13. Review status: criteria provided, single submitter. Criteria: Invitae Variant Classification Sherloc (09022015). Collection method: clinical testing. Allele origin: germline.
Comment: This variant has not been reported in the literature in individuals affected with DNAAF3-related conditions. For these reasons, this variant has been classified as Pathogenic. This variant is not present in population databases (gnomAD no frequency). This sequence change creates a premature translational stop signal (p.Gln218*) in the DNAAF3 gene. It is expected to result in an absent or disrupted protein product. Loss-of-function variants in DNAAF3 are known to be pathogenic (PMID: 22387996).

Literature cited by the submitters: PubMed 22387996.